The following is an entry in ClinVar:

NM_007254.4(PNKP):c.498+3G>T

Gene: PNKP (polynucleotide kinase 3'-phosphatase; minus strand). Cytogenetic location: 19q13.33.
Variant type: single nucleotide variant.
Coding change: c.498+3G>T on transcript NM_007254.4 (MANE Select); 3 bases into the intron after coding-DNA position 498, G replaced by T.
Molecular consequence: intron variant.
Genome position (GRCh38, 1-based): chr19:49,865,124, C>A on the plus strand (G>T on the coding strand, the complement: PNKP is on the minus strand). VCF-style: chr19-49865124-C-A. GRCh37 (hg19) VCF-style: chr19-50368381-C-A.
Identifiers: ClinVar variation 1043346 (VCV001043346.7), dbSNP rs2074808518, ClinGen allele CA2340624567.
Genomic context (GRCh38, chr19:49,865,124, plus strand): 5'-CAACAAACGTGGGATTGGGTCCCAGTCTGTGGCGGCTCCCTCAGCCCTCGGCGTGGCCCT[C>A]ACCTTGCCCTGGGGTTTCACCCCAGCTGCGGTGAACACTAGCAACTTCTCCAAGTTCTCC-3'

ClinVar aggregate classification (germline): Uncertain significance (1 of 4 stars; one submission).

Conditions:
Developmental and epileptic encephalopathy, 12 (DEE12). Identifiers: MedGen C3150988, MONDO:0013389, OMIM 613722.

Submission:

Labcorp Genetics (formerly Invitae), Labcorp
Classification: Uncertain significance for Developmental and epileptic encephalopathy, 12. Last evaluated: 2022-03-11. Review status: criteria provided, single submitter. Criteria: Invitae Variant Classification Sherloc (09022015). Collection method: clinical testing. Allele origin: germline.
Comment: In summary, the available evidence is currently insufficient to determine the role of this variant in disease. Therefore, it has been classified as a Variant of Uncertain Significance. Variants that disrupt the consensus splice site are a relatively common cause of aberrant splicing (PMID: 17576681, 9536098). Algorithms developed to predict the effect of sequence changes on RNA splicing suggest that this variant may disrupt the consensus splice site. This sequence change falls in intron 4 of the PNKP gene. It does not directly change the encoded amino acid sequence of the PNKP protein. It affects a nucleotide within the consensus splice site. This variant is not present in population databases (gnomAD no frequency). ClinVar contains an entry for this variant (Variation ID: 1043346). This variant has not been reported in the literature in individuals affected with PNKP-related conditions.

Literature cited by the submitters: PubMed 17576681; PubMed 9536098.